The following is an entry in ClinVar:

ClinVar aggregate classification (germline): Uncertain significance (1 of 4 stars; one submission).

Conditions:
Infantile spasms. Also called: Infantile spasm. Identifiers: MedGen C3887898, HP:0012469.

Allele frequency attached by ClinVar (database versions not stated): TOPMed below 0.00001; gnomAD 0.00001; gnomAD exomes 0.00001.
gnomAD v4.1: 11 of 1,613,384 alleles (0.00068%); highest among the groups gnomAD compares: Non-Finnish European, 0.00085%; no homozygotes.

Submission:

Labcorp Genetics (formerly Invitae), Labcorp
Classification: Uncertain significance for Infantile spasms. Last evaluated: 2023-10-03. Review status: criteria provided, single submitter. Criteria: Invitae Variant Classification Sherloc (09022015). Collection method: clinical testing. Allele origin: germline.
Comment: This sequence change replaces valine, which is neutral and non-polar, with methionine, which is neutral and non-polar, at codon 68 of the PIK3AP1 protein (p.Val68Met). This variant is present in population databases (no rsID available, gnomAD 0.002%). This variant has not been reported in the literature in individuals affected with PIK3AP1-related conditions. ClinVar contains an entry for this variant (Variation ID: 951068). Algorithms developed to predict the effect of missense changes on protein structure and function output the following: SIFT: "Not Available"; PolyPhen-2: "Benign"; Align-GVGD: "Not Available". The methionine amino acid residue is found in multiple mammalian species, which suggests that this missense change does not adversely affect protein function. In summary, the available evidence is currently insufficient to determine the role of this variant in disease. Therefore, it has been classified as a Variant of Uncertain Significance.

NM_152309.3(PIK3AP1):c.202G>A (p.Val68Met)

Gene: PIK3AP1 (phosphoinositide-3-kinase adaptor protein 1; minus strand). Cytogenetic location: 10q24.1.
Variant type: single nucleotide variant.
Coding change: c.202G>A on transcript NM_152309.3 (MANE Select); coding-DNA position 202, G replaced by A.
Protein change: p.Val68Met; replaces valine 68 with methionine.
Molecular consequence: missense variant.
Genome position (GRCh38, 1-based): chr10:96,709,795, C>T on the plus strand (G>A on the coding strand, the complement: PIK3AP1 is on the minus strand). VCF-style: chr10-96709795-C-T. GRCh37 (hg19) VCF-style: chr10-98469552-C-T.
Other names: short protein forms V68M.
Identifiers: ClinVar variation 951068 (VCV000951068.7), dbSNP rs952542746, ClinGen allele CA212626120.
Genomic context (GRCh38, chr10:96,709,795, plus strand): 5'-GCAGGGGCAGCAAGGCGGGCTTGTGGAAGTGCTGCACCAGCTCCGCGGACAGCAGCACCA[C>T]GACACAGCGGGTGCTGAGGAAAAGGCTTAGGTCCTCTGCCGAGAAGGAGGCCTCGGGGCC-3'
Protein context (NP_689522.2, residues 58-78): LSLFLSTRCV[Val68Met]VLLSAELVQH